The following is an entry in ClinVar:

NM_000321.3(RB1):c.21_22insT (p.Lys8Ter)

Gene: RB1 (RB transcriptional corepressor 1; plus strand). Cytogenetic location: 13q14.2.
Variant type: Insertion.
Coding change: c.21_22insT on transcript NM_000321.3 (MANE Select); coding-DNA positions 21 to 22, T inserted.
Protein change: p.Lys8Ter; replaces lysine 8 with a stop codon.
Molecular consequence: nonsense.
Genome position: GRCh38 VCF-style: chr13-48303933-A-AT. GRCh37 (hg19) VCF-style: chr13-48878069-A-AT.
Other names: c.21_22insT, p.Lys8Ter (NM_001407167.1, NM_001407165.1, NM_001407166.1); short protein forms K8*.
Identifiers: ClinVar variation 2726068 (VCV002726068.3), dbSNP rs2542093262, ClinGen allele CA2697551897.

ClinVar aggregate classification (germline): Pathogenic (1 of 4 stars; one submission).

Conditions:
Retinoblastoma (RB1). Also called: RETINOBLASTOMA, SOMATIC. Identifiers: Orphanet 790, MedGen C0035335, MeSH D012175, MONDO:0008380, OMIM 180200, HP:0009919. Disease mechanism: loss of function. Inheritance: Both sporadic and heritable forms are tested..

Submission:

Labcorp Genetics (formerly Invitae), Labcorp
Classification: Pathogenic for Retinoblastoma. Last evaluated: 2023-06-23. Review status: criteria provided, single submitter. Criteria: Invitae Variant Classification Sherloc (09022015). Collection method: clinical testing. Allele origin: germline.
Comment: This sequence change creates a premature translational stop signal (p.Lys8*) in the RB1 gene. It is expected to result in an absent or disrupted protein product. Loss-of-function variants in RB1 are known to be pathogenic (PMID: 17096365). This variant is not present in population databases (gnomAD no frequency). This variant has not been reported in the literature in individuals affected with RB1-related conditions. For these reasons, this variant has been classified as Pathogenic.

Literature cited by the submitters: PubMed 17096365.